The following is an entry in ClinVar:

NM_002496.4(NDUFS8):c.304C>T (p.Arg102Cys)

Gene: NDUFS8 (NADH:ubiquinone oxidoreductase core subunit S8; plus strand). Cytogenetic location: 11q13.2.
Variant type: single nucleotide variant.
Coding change: c.304C>T on transcript NM_002496.4 (MANE Select); coding-DNA position 304, C replaced by T.
Protein change: p.Arg102Cys; replaces arginine 102 with cysteine.
Molecular consequence: missense variant.
Genome position (GRCh38, 1-based): chr11:68,033,215, C>T. VCF-style: chr11-68033215-C-T. GRCh37 (hg19) VCF-style: chr11-67800682-C-T.
Other names: short protein forms R102C.
Identifiers: ClinVar variation 3767218 (VCV003767218.1).

ClinVar aggregate classification (germline): Likely pathogenic (1 of 4 stars; one submission).

Conditions:
Mitochondrial complex I deficiency, nuclear type 2. Also called: Mitochondrial complex 1 deficiency, nuclear type 2. Identifiers: MedGen C4748737, MONDO:0032606, OMIM 618222.

Submission:

Service de Génétique Médicale, Centre Hospitalier Universitaire de Nice-Université Côte d'Azur
Classification: Likely pathogenic for Mitochondrial complex I deficiency, nuclear type 2. Last evaluated: 2024-02-27. Review status: criteria provided, single submitter. Criteria: ACMG Guidelines, 2015. Collection method: clinical testing. Allele origin: germline. Affected: yes.

Literature cited by the submitters: PubMed 38703036.